The following is an entry in ClinVar:

ClinVar aggregate classification (germline): Uncertain significance (0 of 4 stars; one submission).

Conditions:
TMEM67-related disorder. Also called: TMEM67-related condition; TMEM67-related disorders. Identifiers: MedGen CN239423.

Submission:

PreventionGenetics, part of Exact Sciences
Classification: Uncertain significance for TMEM67-related condition. Last evaluated: 2024-03-15. Review status: no assertion criteria provided. Collection method: clinical testing. Allele origin: germline.
Comment: The TMEM67 c.2294A>G variant is predicted to result in the amino acid substitution p.Gln765Arg. To our knowledge, this variant has not been reported in the literature or in a large population database, indicating this variant is rare. At this time, the clinical significance of this variant is uncertain due to the absence of conclusive functional and genetic evidence.

NM_153704.6(TMEM67):c.2294A>G (p.Gln765Arg)

Gene: TMEM67 (transmembrane protein 67; plus strand). Cytogenetic location: 8q22.1.
Variant type: single nucleotide variant.
Coding change: c.2294A>G on transcript NM_153704.6 (MANE Select); coding-DNA position 2294, A replaced by G.
Protein change: p.Gln765Arg; replaces glutamine 765 with arginine.
Molecular consequence: missense variant. On other transcripts: non-coding transcript variant (1).
Genome position (GRCh38, 1-based): chr8:93,803,656, A>G. VCF-style: chr8-93803656-A-G. GRCh37 (hg19) VCF-style: chr8-94815884-A-G.
Other names: c.2051A>G, p.Gln684Arg (NM_001142301.1); short protein forms Q684R, Q765R.
Identifiers: ClinVar variation 3348144 (VCV003348144.1).